The following is an entry in ClinVar:

NM_000395.3(CSF2RB):c.758A>T (p.Asp253Val)

Gene: CSF2RB (colony stimulating factor 2 receptor subunit beta; plus strand). Cytogenetic location: 22q12.3.
Variant type: single nucleotide variant.
Coding change: c.758A>T on transcript NM_000395.3 (MANE Select); coding-DNA position 758, A replaced by T.
Protein change: p.Asp253Val; replaces aspartic acid 253 with valine.
Molecular consequence: missense variant.
Genome position (GRCh38, 1-based): chr22:36,930,414, A>T. VCF-style: chr22-36930414-A-T. GRCh37 (hg19) VCF-style: chr22-37326456-A-T.
Other names: c.758A>T, p.Asp253Val (NM_001410827.1); short protein forms D253V.
Identifiers: ClinVar variation 1935518 (VCV001935518.5), dbSNP rs2517992352, ClinGen allele CA411407399.

ClinVar aggregate classification (germline): Uncertain significance (1 of 4 stars; one submission).

Allele frequency attached by ClinVar (database versions not stated): gnomAD exomes below 0.00001.
gnomAD v4.1: 2 of 1,613,516 alleles (0.00012%); highest among the groups gnomAD compares: Non-Finnish European, 0.00017%; no homozygotes.

Submission:

Labcorp Genetics (formerly Invitae), Labcorp
Classification: Uncertain significance. Last evaluated: 2022-05-03. Review status: criteria provided, single submitter. Criteria: Invitae Variant Classification Sherloc (09022015). Collection method: clinical testing. Allele origin: germline.
Comment: This variant has not been reported in the literature in individuals affected with CSF2RB-related conditions. In summary, the available evidence is currently insufficient to determine the role of this variant in disease. Therefore, it has been classified as a Variant of Uncertain Significance. Algorithms developed to predict the effect of missense changes on protein structure and function are either unavailable or do not agree on the potential impact of this missense change (SIFT: "Deleterious"; PolyPhen-2: "Possibly Damaging"; Align-GVGD: "Class C0"). This variant is not present in population databases (gnomAD no frequency). This sequence change replaces aspartic acid, which is acidic and polar, with valine, which is neutral and non-polar, at codon 253 of the CSF2RB protein (p.Asp253Val).